The following is an entry in ClinVar:

ClinVar aggregate classification (germline): Pathogenic (1 of 4 stars; one submission).

Conditions:
Developmental and epileptic encephalopathy 94 (DEE94). Also called: Epileptic encephalopathy, childhood-onset; CHD2-Related Neurodevelopmental Disorders. Identifiers: Orphanet 1942, Orphanet 2382, MedGen C3809278, MONDO:0014150, OMIM 615369.

Submission:

Labcorp Genetics (formerly Invitae), Labcorp
Classification: Pathogenic for Developmental and epileptic encephalopathy 94. Last evaluated: 2023-01-15. Review status: criteria provided, single submitter. Criteria: Invitae Variant Classification Sherloc (09022015). Collection method: clinical testing. Allele origin: germline.
Comment: For these reasons, this variant has been classified as Pathogenic. This variant has not been reported in the literature in individuals affected with CHD2-related conditions. This variant is not present in population databases (gnomAD no frequency). This sequence change creates a premature translational stop signal (p.Asn961Ilefs*8) in the CHD2 gene. It is expected to result in an absent or disrupted protein product. Loss-of-function variants in CHD2 are known to be pathogenic (PMID: 23708187, 24207121).

Literature cited by the submitters: PubMed 23708187; PubMed 24207121.

NM_001271.4(CHD2):c.2882del (p.Asn961fs)

Genes: CHD2 (chromodomain helicase DNA binding protein 2; plus strand), LOC126862230 (P300/CBP strongly-dependent group 1 enhancer GRCh37_chr15:93523977-93525176; plus strand). Cytogenetic location: 15q26.1.
Variant type: Deletion.
Coding change: c.2882del on transcript NM_001271.4 (MANE Select); coding-DNA position 2882, one base deleted (A; older notation c.2882delA).
Protein change: p.Asn961fs; shifts the reading frame from asparagine 961.
Molecular consequence: frameshift variant.
Genome position (GRCh38, 1-based): chr15:92,980,820, A deleted; the last of 3 consecutive A bases (chr15:92,980,818-92,980,820); deleting any one gives the same sequence. VCF-style (leftmost placement, unchanged base first): chr15-92980817-CA-C. GRCh37 (hg19) VCF-style: chr15-93524047-CA-C.
Other names: short protein forms N961fs.
Identifiers: ClinVar variation 2828909 (VCV002828909.3), dbSNP rs2505549900, ClinGen allele CA2739269788.
Genomic context (GRCh38, chr15:92,980,817, plus strand): 5'-AAGTAGAACACTTTAGAGGTTATTTGATGTTTCTAACAACTACATTTTACTTCCACAGCT[CA>C]AATCCTTTTAATAAAGAAGAGCTGACAGCTATTTTGAAATTTGGAGCAGAGGATCTCTTC-3'